The following is an entry in ClinVar:

NM_021254.4(CFAP298):c.160C>T (p.His54Tyr)

Genes: CFAP298-TCP10L (CFAP298-TCP10L readthrough; minus strand), CFAP298 (cilia and flagella associated protein 298; minus strand). Cytogenetic location: 21q22.11.
Variant type: single nucleotide variant.
Coding change: c.160C>T on transcript NM_021254.4 (MANE Select); coding-DNA position 160, C replaced by T.
Protein change: p.His54Tyr; replaces histidine 54 with tyrosine.
Molecular consequence: missense variant. On other transcripts: non-coding transcript variant (2), 5 prime UTR variant (1).
Genome position (GRCh38, 1-based): chr21:32,609,985, G>A on the plus strand (C>T on the coding strand, the complement: CFAP298 is on the minus strand). VCF-style: chr21-32609985-G-A. GRCh37 (hg19) VCF-style: chr21-33982295-G-A.
Other names: c.160C>T, p.His54Tyr (NM_001350338.2, NM_001350335.2, NM_001350336.2 and 1 more transcripts); c.-70C>T (NM_001350334.2); short protein forms H54Y.
Identifiers: ClinVar variation 1299358 (VCV001299358.2), dbSNP rs1389962473, ClinGen allele CA410076266.

ClinVar aggregate classification (germline): Uncertain significance (1 of 4 stars; one submission).

Conditions:
Primary ciliary dyskinesia 26. Also called: CILIARY DYSKINESIA, PRIMARY, 26, WITH OR WITHOUT SITUS INVERSUS; CILIARY DYSKINESIA, PRIMARY, 26, WITH SITUS INVERSUS; CILIARY DYSKINESIA, PRIMARY, 26, WITHOUT SITUS INVERSUS. Identifiers: Orphanet 244, MedGen C3809684, MONDO:0014211, OMIM 615500.

Allele frequency attached by ClinVar (database versions not stated): gnomAD 0.00001; gnomAD exomes 0.00001.
gnomAD v4.1: 12 of 1,613,208 alleles (0.00074%); highest among the groups gnomAD compares: South Asian, 0.011%; no homozygotes.

Submission:

Breda Genetics srl
Classification: Uncertain significance for Primary ciliary dyskinesia 26. Last evaluated: 2021-03-03. Review status: criteria provided, single submitter. Criteria: ACMG Guidelines, 2015. Collection method: clinical testing. Allele origin: germline. Inheritance: Autosomal recessive inheritance. Affected: yes. Observed: 1 variant allele, 1 heterozygote.
Comment: Based on allele frequency, in-silico prediction scores and a certain overlap with the clinical phenotype, we interpreted this variant at least as of uncertain significance. The lack of one or more of the following features has discouraged further investigations: lack of a possible second hit in autosomal recessive conditions, presence of healthy controls in databases for autosomal dominant conditions, presence of unmatching cardinal clinical features in the patient or in the known gene-disease association, and/or variant type outside the known gene mutational spectrum.